The following is an entry in ClinVar:

NM_001111125.3(IQSEC2):c.2539C>A (p.Gln847Lys)

Gene: IQSEC2 (IQ motif and Sec7 domain ArfGEF 2; minus strand). Cytogenetic location: Xp11.22.
Variant type: single nucleotide variant.
Coding change: c.2539C>A on transcript NM_001111125.3 (MANE Select); coding-DNA position 2539, C replaced by A.
Protein change: p.Gln847Lys; replaces glutamine 847 with lysine.
Molecular consequence: missense variant.
Genome position (GRCh38, 1-based): chrX:53,248,157, G>T on the plus strand (C>A on the coding strand, the complement: IQSEC2 is on the minus strand). VCF-style: chrX-53248157-G-T. GRCh37 (hg19) VCF-style: chrX-53277339-G-T.
Other names: c.2539C>A, p.Gln847Lys (NM_001410736.1); c.1924C>A, p.Gln642Lys (NM_015075.2); short protein forms Q847K, Q642K.
Identifiers: ClinVar variation 2831745 (VCV002831745.3), dbSNP rs2519780599, ClinGen allele CA413156997.

ClinVar aggregate classification (germline): Uncertain significance (1 of 4 stars; one submission).

Conditions:
Intellectual developmental disorder, X-linked 1. Also called: Atkin Flaitz Patil Smith syndrome; Intellectual disability, X-linked 1; MENTAL RETARDATION, X-LINKED 18; MENTAL RETARDATION, X-LINKED 78. Identifiers: Orphanet 777, MedGen C2931498, MONDO:0010656, OMIM 309530.

Submission:

Labcorp Genetics (formerly Invitae), Labcorp
Classification: Uncertain significance for Intellectual developmental disorder, X-linked 1. Last evaluated: 2023-01-24. Review status: criteria provided, single submitter. Criteria: Invitae Variant Classification Sherloc (09022015). Collection method: clinical testing. Allele origin: germline.
Comment: In summary, the available evidence is currently insufficient to determine the role of this variant in disease. Therefore, it has been classified as a Variant of Uncertain Significance. Advanced modeling of protein sequence and biophysical properties (such as structural, functional, and spatial information, amino acid conservation, physicochemical variation, residue mobility, and thermodynamic stability) has been performed at Invitae for this missense variant, however the output from this modeling did not meet the statistical confidence thresholds required to predict the impact of this variant on IQSEC2 protein function. This variant has not been reported in the literature in individuals affected with IQSEC2-related conditions. This variant is not present in population databases (gnomAD no frequency). This sequence change replaces glutamine, which is neutral and polar, with lysine, which is basic and polar, at codon 847 of the IQSEC2 protein (p.Gln847Lys).